The following is an entry in ClinVar:

ClinVar aggregate classification (germline): Uncertain significance (1 of 4 stars; one submission).

Conditions:
Inborn genetic diseases. Identifiers: MedGen C0950123, MeSH D030342.

Submission:

Ambry Genetics
Classification: Uncertain significance for Inborn genetic diseases. Last evaluated: 2026-01-05. Review status: criteria provided, single submitter. Criteria: Ambry Variant Classification Scheme 2023. Collection method: clinical testing. Allele origin: germline.
Comment: The p.L861I variant (also known as c.2581C>A), located in coding exon 27 of the RTEL1 gene, results from a C to A substitution at nucleotide position 2581. The leucine at codon 861 is replaced by isoleucine, an amino acid with highly similar properties. This amino acid position is conserved. In addition, this alteration is predicted to be tolerated by in silico analysis. Based on the available evidence, the clinical significance of this variant remains unclear.

NM_001283009.2(RTEL1):c.2581C>A (p.Leu861Ile)

Genes: RTEL1 (regulator of telomere elongation helicase 1; plus strand), RTEL1-TNFRSF6B (RTEL1-TNFRSF6B readthrough (NMD candidate); plus strand). Cytogenetic location: 20q13.33.
Variant type: single nucleotide variant.
Coding change: c.2581C>A on transcript NM_001283009.2 (MANE Select); coding-DNA position 2581, C replaced by A.
Protein change: p.Leu861Ile; replaces leucine 861 with isoleucine.
Molecular consequence: missense variant. On other transcripts: non-coding transcript variant (1).
Genome position (GRCh38, 1-based): chr20:63,691,766, C>A. VCF-style: chr20-63691766-C-A. GRCh37 (hg19) VCF-style: chr20-62323119-C-A.
Other names: c.1912C>A, p.Leu638Ile (NM_001283010.1); c.2581C>A, p.Leu861Ile (NM_016434.4); c.2653C>A, p.Leu885Ile (NM_032957.5); short protein forms L638I, L861I, L885I.
Identifiers: ClinVar variation 4844086 (VCV004844086.1).